The following is an entry in ClinVar:

ClinVar aggregate classification (germline): Uncertain significance. Review status: criteria provided, multiple submitters, no conflicts (2 of 4 stars). 3 submissions from 3 submitters: Uncertain significance (3). Last evaluated 2025-03-20.

Conditions:
DST-related disorder. Also called: DST-related condition; DST-related disorders.
Epidermolysis bullosa simplex 3, localized or generalized intermediate, with BP230 deficiency (EBS3). Also called: Epidermolysis bullosa simplex, autosomal recessive 2; Epidermolysis bullosa simplex due to BP230 deficiency. Identifiers: Orphanet 412181, MedGen C3809470, MONDO:0014180, OMIM 615425.
Hereditary sensory and autonomic neuropathy type 6. Also called: HSAN VI; Neuropathy, hereditary sensory and autonomic, type VI. Identifiers: Orphanet 314381, MedGen C3539003, MONDO:0013839, OMIM 614653.
Inborn genetic diseases. Identifiers: MedGen C0950123, MeSH D030342.

Allele frequency attached by ClinVar (database versions not stated): TOPMed 0.00002.
gnomAD v4.1: 8 of 1,600,572 alleles (0.0005%); highest among the groups gnomAD compares: Non-Finnish European, 0.00068%; no homozygotes.

Submissions (3):

PreventionGenetics, part of Exact Sciences
Classification: Uncertain significance for DST-related condition. Last evaluated: 2025-03-20. Review status: criteria provided, single submitter. Criteria: ACMG Guidelines, 2015. Collection method: clinical testing. Allele origin: germline.
Comment: The DST c.7528C>A variant is predicted to result in the amino acid substitution p.Gln2510Lys. To our knowledge, this variant has not been reported in the literature. This variant is reported in 0.0019% of alleles in individuals of European (non-Finnish) descent in gnomAD. At this time, the clinical significance of this variant is uncertain due to the absence of conclusive functional and genetic evidence.

Labcorp Genetics (formerly Invitae), Labcorp
Classification: Uncertain significance for Epidermolysis bullosa simplex 3, localized or generalized intermediate, with BP230 deficiency; Hereditary sensory and autonomic neuropathy type 6. Last evaluated: 2021-08-26. Review status: criteria provided, single submitter. Criteria: Invitae Variant Classification Sherloc (09022015). Collection method: clinical testing. Allele origin: germline.

Ambry Genetics
Classification: Uncertain significance for Inborn genetic diseases. Last evaluated: 2020-03-20. Review status: criteria provided, single submitter. Criteria: Ambry Variant Classification Scheme 2023. Collection method: clinical testing. Allele origin: germline.
Comment: The p.Q2510K variant (also known as c.7528C>A), located in coding exon 49 of the DST gene, results from a C to A substitution at nucleotide position 7528. The glutamine at codon 2510 is replaced by lysine, an amino acid with similar properties. This amino acid position is not well conserved in available vertebrate species. In addition, the in silico prediction for this alteration is inconclusive. Since supporting evidence is limited at this time, the clinical significance of this alteration remains unclear.

NM_001374736.1(DST):c.13885C>A (p.Gln4629Lys)

Gene: DST (dystonin; minus strand). Cytogenetic location: 6p12.1.
Variant type: single nucleotide variant.
Coding change: c.13885C>A on transcript NM_001374736.1 (MANE Select); coding-DNA position 13885, C replaced by A.
Protein change: p.Gln4629Lys; replaces glutamine 4629 with lysine.
Molecular consequence: missense variant.
Genome position (GRCh38, 1-based): chr6:56,568,589, G>T on the plus strand (C>A on the coding strand, the complement: DST is on the minus strand). VCF-style: chr6-56568589-G-T. GRCh37 (hg19) VCF-style: chr6-56433387-G-T.
Other names: c.7528C>A, p.Gln2510Lys (NM_001144769.5); c.7114C>A, p.Gln2372Lys (NM_001144770.2); c.13885C>A, p.Gln4629Lys (NM_001374722.1); c.13252C>A, p.Gln4418Lys (NM_001374729.1); c.6994C>A, p.Gln2332Lys (NM_001374730.1, NM_183380.4); c.13912C>A, p.Gln4638Lys (NM_001374734.1); c.6016C>A, p.Gln2006Lys (NM_015548.5); short protein forms Q2332K, Q2372K, Q4629K, Q2510K, Q4638K, Q2006K, Q4418K.
Identifiers: ClinVar variation 970663 (VCV000970663.8), dbSNP rs1207366191, ClinGen allele CA364525036.